The following is an entry in ClinVar:

ClinVar aggregate classification (germline): Pathogenic. Review status: criteria provided, multiple submitters, no conflicts (2 of 4 stars). 2 submissions from 2 submitters: Pathogenic (2). Last evaluated 2020-02-01.

Conditions:
Renal cysts and diabetes syndrome (RCAD). Also called: Familial hypoplastic, glomerulocystic kidney; MATURITY-ONSET DIABETES OF THE YOUNG, TYPE 5. Identifiers: Orphanet 93111, MedGen C0431693, MONDO:0007669, OMIM 137920.

Submissions (2):

Molecular Biology Laboratory, Fundació Puigvert
Classification: Pathogenic for Renal cysts and diabetes syndrome. Last evaluated: 2020-02-01. Review status: criteria provided, single submitter. Criteria: ACMG Guidelines, 2015. Collection method: research. Allele origin: de novo. Affected: yes. Study: KidneyPanel_2020.

Institute of Human Genetics, FAU Erlangen, Friedrich-Alexander-Universität Erlangen-Nürnberg
Classification: Pathogenic for Renal cysts and diabetes syndrome. Last evaluated: 2019-07-06. Review status: criteria provided, single submitter. Criteria: ACMG Guidelines, 2015. Collection method: literature only. Allele origin: germline. Affected: yes.
Comment: This variant and it's classification has been reported by Vasileiou et al. 2019; DOI:10.1101/576918. The variants has previously been reported in PMCID:PMC4429118 as "c.505T>C; p.Y169H" with clinical significance Pathogenic. It has been re-classified using InterVar and manual curation as Pathogenic based on PS2 PM1 PM2 PP3 PP5.

Literature cited by the submitters: PubMed 33532864 (cited by Molecular Biology Laboratory, Fundació Puigvert); PMC 4429118 (cited by Institute of Human Genetics, FAU Erlangen, Friedrich-Alexander-Universität Erlangen-Nürnberg); DOI 10.1101/576918 (cited by Institute of Human Genetics, FAU Erlangen, Friedrich-Alexander-Universität Erlangen-Nürnberg).

NM_000458.4(HNF1B):c.505T>C (p.Tyr169His)

Gene: HNF1B (HNF1 homeobox B; minus strand). Cytogenetic location: 17q12.
Variant type: single nucleotide variant.
Coding change: c.505T>C on transcript NM_000458.4 (MANE Select); coding-DNA position 505, T replaced by C.
Protein change: p.Tyr169His; replaces tyrosine 169 with histidine.
Molecular consequence: missense variant.
Genome position (GRCh38, 1-based): chr17:37,739,479, A>G on the plus strand (T>C on the coding strand, the complement: HNF1B is on the minus strand). VCF-style: chr17-37739479-A-G. GRCh37 (hg19) VCF-style: chr17-36099470-A-G.
Other names: c.505T>C, p.Tyr169His (NM_001165923.4, NM_001304286.2); short protein forms Y169H.
Identifiers: ClinVar variation 635680 (VCV000635680.4), dbSNP rs2511828400, ClinGen allele CA398751208.